The following is an entry in ClinVar:

NM_030665.4(RAI1):c.1854C>T (p.Ile618=)

Gene: RAI1 (retinoic acid induced 1; plus strand). Cytogenetic location: 17p11.2.
Variant type: single nucleotide variant.
Coding change: c.1854C>T on transcript NM_030665.4 (MANE Select); coding-DNA position 1854, C replaced by T.
Protein change: p.Ile618=; no amino-acid change (isoleucine 618 retained).
Molecular consequence: synonymous variant.
Genome position (GRCh38, 1-based): chr17:17,794,802, C>T. VCF-style: chr17-17794802-C-T. GRCh37 (hg19) VCF-style: chr17-17698116-C-T.
Identifiers: ClinVar variation 1641939 (VCV001641939.13), dbSNP rs149495343, ClinGen allele CA8418411.

ClinVar aggregate classification (germline): Likely benign. Review status: criteria provided, multiple submitters, no conflicts (2 of 4 stars). 4 submissions from 4 submitters: Likely benign (3). 1 of the submissions does not count toward it. Last evaluated 2025-08-15.

Conditions:
Inborn genetic diseases. Identifiers: MedGen C0950123, MeSH D030342.
RAI1-related disorder. Also called: RAI1-related condition.

Allele frequency attached by ClinVar (database versions not stated): ExAC 0.00003; gnomAD 0.00004 and 0.00005; gnomAD exomes 0.00004 and 0.00008; TOPMed 0.00005; ESP Exome Variant Server 0.00008.
gnomAD v4.1: 127 of 1,612,974 alleles (0.0079%); highest among the groups gnomAD compares: Non-Finnish European, 0.01%; no homozygotes.

Submissions (4):

Labcorp Genetics (formerly Invitae), Labcorp
Classification: Likely benign. Last evaluated: 2025-08-15. Review status: criteria provided, single submitter. Criteria: Invitae Variant Classification Sherloc (09022015). Collection method: clinical testing. Allele origin: germline.

Blueprint Genetics
Classification: Likely benign. Last evaluated: 2023-01-27. Review status: criteria provided, single submitter. Criteria: ACMG Guidelines, 2015. Collection method: clinical testing. Allele origin: germline.

Ambry Genetics
Classification: Likely benign for Inborn genetic diseases. Last evaluated: 2019-08-06. Review status: criteria provided, single submitter. Criteria: Ambry Variant Classification Scheme 2023. Collection method: clinical testing. Allele origin: germline.

PreventionGenetics, part of Exact Sciences
Classification: Likely benign for RAI1-related condition. Last evaluated: 2023-01-06. Review status: no assertion criteria provided. Collection method: clinical testing. Allele origin: germline. Not counted in ClinVar's aggregate classification.
Comment: This variant is classified as likely benign based on ACMG/AMP sequence variant interpretation guidelines (Richards et al. 2015 PMID: 25741868, with internal and published modifications).